The following is an entry in ClinVar:

ClinVar aggregate classification (germline): Uncertain significance (1 of 4 stars; one submission).

Conditions:
Hereditary cancer-predisposing syndrome. Also called: Neoplastic Syndromes, Hereditary; Hereditary Cancer Syndrome; Hereditary neoplastic syndrome; Tumor predisposition. Identifiers: Orphanet 140162, MedGen C0027672, MeSH D009386, MONDO:0015356.

Allele frequency attached by ClinVar (database versions not stated): TOPMed below 0.00001.

Submission:

Ambry Genetics
Classification: Uncertain significance for Hereditary cancer-predisposing syndrome. Last evaluated: 2023-04-22. Review status: criteria provided, single submitter. Criteria: Ambry Variant Classification Scheme 2023. Collection method: clinical testing. Allele origin: germline.
Comment: The p.E420G variant (also known as c.1259A>G), located in coding exon 7 of the DICER1 gene, results from an A to G substitution at nucleotide position 1259. The glutamic acid at codon 420 is replaced by glycine, an amino acid with similar properties. This amino acid position is conserved. In addition, this alteration is predicted to be tolerated by in silico analysis. Since supporting evidence is limited at this time, the clinical significance of this alteration remains unclear.

NM_177438.3(DICER1):c.1259A>G (p.Glu420Gly)

Gene: DICER1 (dicer 1, ribonuclease III; minus strand). Cytogenetic location: 14q32.13.
Variant type: single nucleotide variant.
Coding change: c.1259A>G on transcript NM_177438.3 (MANE Select); coding-DNA position 1259, A replaced by G.
Protein change: p.Glu420Gly; replaces glutamic acid 420 with glycine.
Molecular consequence: missense variant. On other transcripts: 5 prime UTR variant (1), non-coding transcript variant (6).
Genome position (GRCh38, 1-based): chr14:95,124,313, T>C on the plus strand (A>G on the coding strand, the complement: DICER1 is on the minus strand). VCF-style: chr14-95124313-T-C. GRCh37 (hg19) VCF-style: chr14-95590650-T-C.
Other names: c.1259A>G, p.Glu420Gly (NM_001195573.1, NM_001271282.3, NM_001291628.2 and 15 more transcripts); c.977A>G, p.Glu326Gly (NM_001395686.1); c.854A>G, p.Glu285Gly (NM_001395687.1, NM_001395688.1, NM_001395689.1 and 3 more transcripts); c.692A>G, p.Glu231Gly (NM_001395691.1); c.-310A>G (NM_001395697.1); short protein forms E326G, E231G, E285G, E420G.
Identifiers: ClinVar variation 2566181 (VCV002566181.2), dbSNP rs1280386879, ClinGen allele CA390886458.